The following is an entry in ClinVar:

NM_032447.5(FBN3):c.873G>A (p.Arg291=)

Gene: FBN3 (fibrillin 3; minus strand). Cytogenetic location: 19p13.2.
Variant type: single nucleotide variant.
Coding change: c.873G>A on transcript NM_032447.5 (MANE Select); coding-DNA position 873, G replaced by A.
Protein change: p.Arg291=; no amino-acid change (arginine 291 retained).
Molecular consequence: synonymous variant.
Genome position (GRCh38, 1-based): chr19:8,138,557, C>T on the plus strand (G>A on the coding strand, the complement: FBN3 is on the minus strand). VCF-style: chr19-8138557-C-T. GRCh37 (hg19) VCF-style: chr19-8203441-C-T.
Other names: c.873G>A, p.Arg291= (NM_001321431.2); c.873G>A (NM_001321431.1).
Identifiers: ClinVar variation 2039458 (VCV002039458.6), dbSNP rs145743196, ClinGen allele CA9153550.

ClinVar aggregate classification (germline): Benign. Review status: criteria provided, single submitter (1 of 4 stars). 2 submissions from 2 submitters: Benign (1). 1 of the submissions does not count toward it. Last evaluated 2025-12-10.

Conditions:
FBN3-related disorder. Also called: FBN3-related condition.

Allele frequency attached by ClinVar (database versions not stated): ExAC 0.00035; 1000 Genomes Project 0.00100; ESP Exome Variant Server 0.00100; 1000 Genomes Project 30x 0.00141; gnomAD exomes 0.00008.
gnomAD v4.1: 245 of 1,607,200 alleles (0.015%); highest among the groups gnomAD compares: African/African-American, 0.28%; no homozygotes.

Submissions (2):

Labcorp Genetics (formerly Invitae), Labcorp
Classification: Benign. Last evaluated: 2025-12-10. Review status: criteria provided, single submitter. Criteria: Invitae Variant Classification Sherloc (09022015). Collection method: clinical testing. Allele origin: germline.

PreventionGenetics, part of Exact Sciences
Classification: Likely benign for FBN3-related condition. Last evaluated: 2019-04-24. Review status: no assertion criteria provided. Collection method: clinical testing. Allele origin: germline. Not counted in ClinVar's aggregate classification.
Comment: This variant is classified as likely benign based on ACMG/AMP sequence variant interpretation guidelines (Richards et al. 2015 PMID: 25741868, with internal and published modifications).